The following is an entry in ClinVar:

NM_001844.5(COL2A1):c.4139T>C (p.Leu1380Pro)

Gene: COL2A1 (collagen type II alpha 1 chain; minus strand). Cytogenetic location: 12q13.11.
Variant type: single nucleotide variant.
Coding change: c.4139T>C on transcript NM_001844.5 (MANE Select); coding-DNA position 4139, T replaced by C.
Protein change: p.Leu1380Pro; replaces leucine 1380 with proline.
Molecular consequence: missense variant.
Genome position (GRCh38, 1-based): chr12:47,974,267, A>G on the plus strand (T>C on the coding strand, the complement: COL2A1 is on the minus strand). VCF-style: chr12-47974267-A-G. GRCh37 (hg19) VCF-style: chr12-48368050-A-G.
Other names: c.3932T>C, p.Leu1311Pro (NM_033150.3); short protein forms L1311P, L1380P.
Identifiers: ClinVar variation 4293431 (VCV004293431.1).

ClinVar aggregate classification (germline): Uncertain significance (1 of 4 stars; one submission).

Conditions:
COL2A1-related disorder. Also called: COL2A1-related condition; COL2A1-related disorders.

Submission:

3billion
Classification: Uncertain significance for COL2A1-related disorder. Last evaluated: 2025-02-12. Review status: criteria provided, single submitter. Criteria: ACMG Guidelines, 2015. Collection method: clinical testing. Allele origin: germline. Affected: yes.
Comment: The variant is not observed in the gnomAD v4.1.0 dataset. Predicted Consequence/Location: Missense variant In silico tool predictions suggest damaging effect of the variant on gene or gene product [REVEL: 0.94 (>=0.6, sensitivity 0.68 and specificity 0.92)]. Therefore, this variant is classified as VUS according to the recommendation of ACMG/AMP guideline.